The following is an entry in ClinVar:

NM_199420.4(POLQ):c.6161T>A (p.Phe2054Tyr)

Gene: POLQ (DNA polymerase theta; minus strand). Cytogenetic location: 3q13.33.
Variant type: single nucleotide variant.
Coding change: c.6161T>A on transcript NM_199420.4 (MANE Select); coding-DNA position 6161, T replaced by A.
Protein change: p.Phe2054Tyr; replaces phenylalanine 2054 with tyrosine.
Molecular consequence: missense variant.
Genome position (GRCh38, 1-based): chr3:121,481,622, A>T on the plus strand (T>A on the coding strand, the complement: POLQ is on the minus strand). VCF-style: chr3-121481622-A-T. GRCh37 (hg19) VCF-style: chr3-121200469-A-T.
Other names: short protein forms F2054Y.
Identifiers: ClinVar variation 1751962 (VCV001751962.2), dbSNP rs2546780289, ClinGen allele CA354087701.

ClinVar aggregate classification (germline): Uncertain significance (1 of 4 stars; one submission).

Submission:

Ambry Genetics
Classification: Uncertain significance. Last evaluated: 2022-06-24. Review status: criteria provided, single submitter. Criteria: Ambry Variant Classification Scheme 2023. Collection method: clinical testing. Allele origin: germline.
Comment: The p.F2054Y variant (also known as c.6161T>A), located in coding exon 19 of the POLQ gene, results from a T to A substitution at nucleotide position 6161. The phenylalanine at codon 2054 is replaced by tyrosine, an amino acid with highly similar properties. This amino acid position is conserved. In addition, this alteration is predicted to be tolerated by in silico analysis. Since supporting evidence is limited at this time, the clinical significance of this alteration remains unclear.